The following is an entry in ClinVar:

NM_173598.6(KSR2):c.1845G>A (p.Thr615=)

Gene: KSR2 (kinase suppressor of ras 2; minus strand). Cytogenetic location: 12q24.22.
Variant type: single nucleotide variant.
Coding change: c.1845G>A on transcript NM_173598.6 (MANE Select); coding-DNA position 1845, G replaced by A.
Protein change: p.Thr615=; no amino-acid change (threonine 615 retained).
Molecular consequence: synonymous variant.
Genome position (GRCh38, 1-based): chr12:117,527,077, C>T on the plus strand (G>A on the coding strand, the complement: KSR2 is on the minus strand). VCF-style: chr12-117527077-C-T. GRCh37 (hg19) VCF-style: chr12-117964882-C-T.
Other names: c.1758G>A (NM_173598.4).
Identifiers: ClinVar variation 3660638 (VCV003660638.3).

ClinVar aggregate classification (germline): Likely benign. Review status: criteria provided, multiple submitters, no conflicts (2 of 4 stars). 2 submissions from 2 submitters: Likely benign (2). Last evaluated 2025-06-10.

Conditions:
KSR2-related disorder. Also called: KSR2-related condition.

gnomAD v4.1: 20 of 1,613,538 alleles (0.0012%); highest among the groups gnomAD compares: Admixed American, 0.013%; no homozygotes.

Submissions (2):

Labcorp Genetics (formerly Invitae), Labcorp
Classification: Likely benign. Last evaluated: 2025-06-10. Review status: criteria provided, single submitter. Criteria: Invitae Variant Classification Sherloc (09022015). Collection method: clinical testing. Allele origin: germline.

PreventionGenetics, part of Exact Sciences
Classification: Likely benign for KSR2-related condition. Last evaluated: 2024-10-25. Review status: criteria provided, single submitter. Criteria: ACMG Guidelines, 2015. Collection method: clinical testing. Allele origin: germline.
Comment: This variant is classified as likely benign based on ACMG/AMP sequence variant interpretation guidelines (Richards et al. 2015 PMID: 25741868, with internal and published modifications).